The following is an entry in ClinVar:

ClinVar aggregate classification (germline): Uncertain significance (1 of 4 stars; one submission).

Conditions:
Tremor, hereditary essential, 5 (ETM5). Identifiers: MedGen C4225223, MONDO:0014756, OMIM 616736.

Allele frequency attached by ClinVar (database versions not stated): gnomAD 0.00001; TOPMed 0.00001.
gnomAD v4.1: 1 of 1,613,894 alleles (0.000062%); highest among the groups gnomAD compares: Non-Finnish European, 0.000085%; no homozygotes.

Submission:

Centre for Mendelian Genomics, University Medical Centre Ljubljana
Classification: Uncertain significance for Tremor, hereditary essential, 5. Last evaluated: 2019-05-24. Review status: criteria provided, single submitter. Criteria: ACMG Guidelines, 2015. Collection method: clinical testing. Allele origin: unknown. Affected: yes.
Comment: This variant was classified as: Uncertain significance. The available evidence on this variant's pathogenicity is insufficient or conflicting. The following ACMG criteria were applied in classifying this variant: PP3.

NM_001098816.3(TENM4):c.6668T>C (p.Leu2223Pro)

Gene: TENM4 (teneurin transmembrane protein 4; minus strand). Cytogenetic location: 11q14.1.
Variant type: single nucleotide variant.
Coding change: c.6668T>C on transcript NM_001098816.3 (MANE Select); coding-DNA position 6668, T replaced by C.
Protein change: p.Leu2223Pro; replaces leucine 2223 with proline.
Molecular consequence: missense variant.
Genome position (GRCh38, 1-based): chr11:78,669,677, A>G on the plus strand (T>C on the coding strand, the complement: TENM4 is on the minus strand). VCF-style: chr11-78669677-A-G. GRCh37 (hg19) VCF-style: chr11-78380722-A-G.
Other names: short protein forms L2223P.
Identifiers: ClinVar variation 931031 (VCV000931031.3), dbSNP rs950098538, ClinGen allele CA224929144.